The following is an entry in ClinVar:

NM_014989.7(RIMS1):c.3580A>G (p.Arg1194Gly)

Gene: RIMS1 (regulating synaptic membrane exocytosis 1; plus strand). Cytogenetic location: 6q13.
Variant type: single nucleotide variant.
Coding change: c.3580A>G on transcript NM_014989.7 (MANE Select); coding-DNA position 3580, A replaced by G.
Protein change: p.Arg1194Gly; replaces arginine 1194 with glycine.
Molecular consequence: missense variant. On other transcripts: intron variant (56).
Genome position (GRCh38, 1-based): chr6:72,290,704, A>G. VCF-style: chr6-72290704-A-G. GRCh37 (hg19) VCF-style: chr6-73000407-A-G.
Other names: c.1654A>G, p.Arg552Gly (NM_001350420.2); c.1636A>G, p.Arg546Gly (NM_001350431.2); c.1723A>G, p.Arg575Gly (NM_001350438.2, NM_001350456.2); c.1726A>G, p.Arg576Gly (NM_001350442.2, NM_001350446.2); c.1585A>G, p.Arg529Gly (NM_001350462.2); c.1632-1230A>G (NM_001350428.2); c.1560-1230A>G (NM_001350459.2, NM_001350424.2); c.1641-1230A>G (NM_001350437.2); and 31 more; short protein forms R552G, R1194G, R529G, R546G, R575G, R576G.
Identifiers: ClinVar variation 1384742 (VCV001384742.6), dbSNP rs2154249614, ClinGen allele CA364689197.

ClinVar aggregate classification (germline): Uncertain significance (1 of 4 stars; one submission).

Submission:

Labcorp Genetics (formerly Invitae), Labcorp
Classification: Uncertain significance. Last evaluated: 2022-06-27. Review status: criteria provided, single submitter. Criteria: Invitae Variant Classification Sherloc (09022015). Collection method: clinical testing. Allele origin: germline.
Comment: In summary, the available evidence is currently insufficient to determine the role of this variant in disease. Therefore, it has been classified as a Variant of Uncertain Significance. Algorithms developed to predict the effect of missense changes on protein structure and function are either unavailable or do not agree on the potential impact of this missense change (SIFT: "Deleterious"; PolyPhen-2: "Probably Damaging"; Align-GVGD: "Class C0"). This variant has not been reported in the literature in individuals affected with RIMS1-related conditions. This variant is not present in population databases (gnomAD no frequency). This sequence change replaces arginine, which is basic and polar, with glycine, which is neutral and non-polar, at codon 1194 of the RIMS1 protein (p.Arg1194Gly).